The following is an entry in ClinVar:

NM_021926.4(ALX4):c.*2832A>C

Gene: ALX4 (ALX homeobox 4; minus strand). Cytogenetic location: 11p11.2.
Variant type: single nucleotide variant.
Coding change: c.*2832A>C on transcript NM_021926.4 (MANE Select); 2832 bases downstream of the stop codon, A replaced by C.
Molecular consequence: 3 prime UTR variant.
Genome position (GRCh38, 1-based): chr11:44,262,022, T>G on the plus strand (A>C on the coding strand, the complement: ALX4 is on the minus strand). VCF-style: chr11-44262022-T-G. GRCh37 (hg19) VCF-style: chr11-44283572-T-G.
Other names: c.*2832A>C (LRG_1256t1).
Identifiers: ClinVar variation 304631 (VCV000304631.6), dbSNP rs1840254, ClinGen allele CA10638513.

ClinVar aggregate classification (germline): Benign. Review status: criteria provided, multiple submitters, no conflicts (2 of 4 stars). 2 submissions from 2 submitters: Benign (2). Last evaluated 2018-01-12.

Conditions:
Parietal foramina 2 (PFM2). Identifiers: Orphanet 60015, MedGen C1865044, MONDO:0012309, OMIM 609597.

Allele frequency attached by ClinVar (database versions not stated): gnomAD exomes 0.18750; gnomAD 0.24185 and 0.24793; TOPMed 0.24975; 1000 Genomes Project 30x 0.29700; 1000 Genomes Project 0.29972.
gnomAD v4.1: 37,884 of 152,266 alleles (25%); highest among the groups gnomAD compares: Admixed American, 41%; 5,700 homozygotes.

Submissions (2):

Illumina Laboratory Services, Illumina
Classification: Benign for Parietal foramina 2. Last evaluated: 2018-01-12. Review status: criteria provided, single submitter. Criteria: ICSL Variant Classification Criteria 13 December 2019. Collection method: clinical testing. Allele origin: germline.
Comment: This variant was observed in the ICSL laboratory as part of a predisposition screen in an ostensibly healthy population. It had not been previously curated by ICSL or reported in the Human Gene Mutation Database (HGMD: prior to June 1st, 2018), and was therefore a candidate for classification through an automated scoring system. Utilizing variant allele frequency, disease prevalence and penetrance estimates, and inheritance mode, an automated score was calculated to assess if this variant is too frequent to cause the disease. Based on the score and internal cut-off values, a variant classified as benign is not then subjected to further curation. The score for this variant resulted in a classification of benign for this disease.

Breakthrough Genomics
Classification: Benign. Review status: criteria provided, single submitter. Criteria: ACMG Guidelines, 2015. Collection method: not provided. Allele origin: germline. Inheritance: Autosomal recessive inheritance. Affected: yes.